The following is an entry in ClinVar:

ClinVar aggregate classification (germline): Likely benign (1 of 4 stars; one submission).

Conditions:
Orthostatic hypotension 1 (ORTHYP1). Also called: NORADRENALINE DEFICIENCY; NOREPINEPHRINE DEFICIENCY; Orthostatic hypotension 1, due to DBH deficiency; Dopamine beta-hydroxylase deficiency. Identifiers: Orphanet 230, MedGen C4746777, MONDO:0009123, OMIM 223360.

Allele frequency attached by ClinVar (database versions not stated): TOPMed 0.00096; 1000 Genomes Project 0.00120; gnomAD 0.00144 and 0.00145; gnomAD exomes 0.00161.
gnomAD v4.1: 231 of 158,690 alleles (0.15%); highest among the groups gnomAD compares: Non-Finnish European, 0.21%; no homozygotes.

Submission:

Illumina Laboratory Services, Illumina
Classification: Likely benign for Orthostatic hypotension 1. Last evaluated: 2018-01-13. Review status: criteria provided, single submitter. Criteria: ICSL Variant Classification Criteria 13 December 2019. Collection method: clinical testing. Allele origin: germline.
Comment: This variant was observed in the ICSL laboratory as part of a predisposition screen in an ostensibly healthy population. It had not been previously curated by ICSL or reported in the Human Gene Mutation Database (HGMD: prior to June 1st, 2018), and was therefore a candidate for classification through an automated scoring system. Utilizing variant allele frequency, disease prevalence and penetrance estimates, and inheritance mode, an automated score was calculated to assess if this variant is too frequent to cause the disease. Based on the score and internal cut-off values, a variant classified as likely benign is not then subjected to further curation. The score for this variant resulted in a classification of likely benign for this disease.

NM_000787.4(DBH):c.*394C>T

Gene: DBH (dopamine beta-hydroxylase; plus strand). Cytogenetic location: 9q34.2.
Variant type: single nucleotide variant.
Coding change: c.*394C>T on transcript NM_000787.4 (MANE Select); 394 bases downstream of the stop codon, C replaced by T.
Molecular consequence: 3 prime UTR variant.
Genome position (GRCh38, 1-based): chr9:133,658,841, C>T. VCF-style: chr9-133658841-C-T. GRCh37 (hg19) VCF-style: chr9-136523963-C-T.
Identifiers: ClinVar variation 912424 (VCV000912424.4), dbSNP rs533126251, ClinGen allele CA200982762.